The following is an entry in ClinVar:

NM_130837.3(OPA1):c.2885A>G (p.Glu962Gly)

Gene: OPA1 (OPA1 mitochondrial dynamin like GTPase; plus strand). Cytogenetic location: 3q29.
Variant type: single nucleotide variant.
Coding change: c.2885A>G on transcript NM_130837.3 (MANE Select); coding-DNA position 2885, A replaced by G.
Protein change: p.Glu962Gly; replaces glutamic acid 962 with glycine.
Molecular consequence: missense variant.
Genome position (GRCh38, 1-based): chr3:193,667,182, A>G. VCF-style: chr3-193667182-A-G. GRCh37 (hg19) VCF-style: chr3-193384971-A-G.
Other names: c.2351A>G, p.Glu784Gly (NM_001354663.2); c.2348A>G, p.Glu783Gly (NM_001354664.2); c.2720A>G, p.Glu907Gly (NM_015560.3); c.2612A>G, p.Glu871Gly (NM_130831.3); c.2666A>G, p.Glu889Gly (NM_130832.3); c.2723A>G, p.Glu908Gly (NM_130833.3); c.2774A>G, p.Glu925Gly (NM_130834.3); c.2777A>G, p.Glu926Gly (NM_130835.3); and 1 more; short protein forms E907G, E962G, E925G, E871G, E908G, E926G, E783G, E784G.
Identifiers: ClinVar variation 214914 (VCV000214914.2), dbSNP rs863224138, ClinGen allele CA322211.
Genomic context (GRCh38, chr3:193,667,182, plus strand): 5'-CATTTATAAAAACGATGCTCCTCAGGTTTTTTAACTTTCTTTAAACAGTTAGGCGATTAG[A>G]GAAAAATGTTAAAGAGGTATTGGAAGATTTTGCTGAAGATGGTGAGAAGAAGATTAAATT-3'
Protein context (NP_570850.2, residues 952-972): QLTNTEVRRL[Glu962Gly]KNVKEVLEDF

ClinVar aggregate classification (germline): Uncertain significance (1 of 4 stars; one submission).

Allele frequency attached by ClinVar (database versions not stated): gnomAD exomes below 0.00001.
gnomAD v4.1: 3 of 1,561,160 alleles (0.00019%); highest among the groups gnomAD compares: Middle Eastern, 0.017%; no homozygotes.

Submission:

GeneDx
Classification: Uncertain significance. Last evaluated: 2013-12-04. Review status: criteria provided, single submitter. Criteria: GeneDx Variant Classification (06012015). Collection method: clinical testing. Allele origin: germline. Affected: yes.
Comment: p.Glu907Gly (GAG>GGG): c.2720 A>G in exon 27 of the OPA1 gene (NM_015560.2). The E907G missense substitution has not been published as a mutation, nor has it been reported as a benign polymorphism to our knowledge. The amino acid change is non-conservative as a large, negatively charged Glutamic Acid residue is replaced by a small, uncharged Glycine residue. This change occurs at a position in the OPA1 protein that is conserved in mammals. In-silico analyses are not consistent in their predictions of whether or not E907G is damaging to the OPA1 protein. Therefore, based on the currently available information, it is unclear whether E907G is a disease-causing mutation or a rare benign variant. The variant is found in MITONUC-MITOP panel(s).